The following is an entry in ClinVar:

NM_001375524.1(TRRAP):c.451-16T>G

Gene: TRRAP (transformation/transcription domain associated protein; plus strand). Cytogenetic location: 7q22.1.
Variant type: single nucleotide variant.
Coding change: c.451-16T>G on transcript NM_001375524.1 (MANE Select); 16 bases into the intron before coding-DNA position 451, T replaced by G.
Molecular consequence: intron variant.
Genome position (GRCh38, 1-based): chr7:98,895,748, T>G. VCF-style: chr7-98895748-T-G. GRCh37 (hg19) VCF-style: chr7-98493371-T-G.
Other names: c.451-16T>G (NM_001244580.2, NM_003496.4).
Identifiers: ClinVar variation 2970631 (VCV002970631.3), dbSNP rs781891524, ClinGen allele CA4359250.

ClinVar aggregate classification (germline): Uncertain significance (1 of 4 stars; one submission).

Allele frequency attached by ClinVar (database versions not stated): ExAC 0.00001; gnomAD 0.00001; TOPMed 0.00001; gnomAD exomes 0.00003.
gnomAD v4.1: 41 of 1,593,758 alleles (0.0026%); highest among the groups gnomAD compares: Non-Finnish European, 0.0032%; no homozygotes.

Submission:

Labcorp Genetics (formerly Invitae), Labcorp
Classification: Uncertain significance. Last evaluated: 2024-10-28. Review status: criteria provided, single submitter. Criteria: Invitae Variant Classification Sherloc (09022015). Collection method: clinical testing. Allele origin: germline.
Comment: This sequence change falls in intron 6 of the TRRAP gene. It does not directly change the encoded amino acid sequence of the TRRAP protein. This variant is present in population databases (rs781891524, gnomAD 0.002%). This variant has not been reported in the literature in individuals affected with TRRAP-related conditions. Algorithms developed to predict the effect of sequence changes on RNA splicing suggest that this variant may disrupt the consensus splice site. In summary, the available evidence is currently insufficient to determine the role of this variant in disease. Therefore, it has been classified as a Variant of Uncertain Significance.